The following is an entry in ClinVar:

ClinVar aggregate classification (germline): Uncertain significance (1 of 4 stars; one submission).

gnomAD v4.1: 8 of 1,614,138 alleles (0.0005%); highest among the groups gnomAD compares: Admixed American, 0.013%; no homozygotes.

Submission:

Labcorp Genetics (formerly Invitae), Labcorp
Classification: Uncertain significance. Last evaluated: 2025-06-08. Review status: criteria provided, single submitter. Criteria: Invitae Variant Classification Sherloc (09022015). Collection method: clinical testing. Allele origin: germline.
Comment: This sequence change replaces aspartic acid, which is acidic and polar, with alanine, which is neutral and non-polar, at codon 126 of the RNF216 protein (p.Asp126Ala). This variant is present in population databases (rs146477262, gnomAD 0.02%). This variant has not been reported in the literature in individuals affected with RNF216-related conditions. An algorithm developed to predict the effect of missense changes on protein structure and function (PolyPhen-2) suggests that this variant is likely to be tolerated. In summary, the available evidence is currently insufficient to determine the role of this variant in disease. Therefore, it has been classified as a Variant of Uncertain Significance.

NM_207111.4(RNF216):c.377A>C (p.Asp126Ala)

Gene: RNF216 (ring finger protein 216; minus strand). Cytogenetic location: 7p22.1.
Variant type: single nucleotide variant.
Coding change: c.377A>C on transcript NM_207111.4 (MANE Select); coding-DNA position 377, A replaced by C.
Protein change: p.Asp126Ala; replaces aspartic acid 126 with alanine.
Molecular consequence: missense variant.
Genome position (GRCh38, 1-based): chr7:5,741,640, T>G on the plus strand (A>C on the coding strand, the complement: RNF216 is on the minus strand). VCF-style: chr7-5741640-T-G. GRCh37 (hg19) VCF-style: chr7-5781271-T-G.
Other names: c.206A>C, p.Asp69Ala (NM_001377156.1, NM_207116.3); short protein forms D69A, D126A.
Identifiers: ClinVar variation 4709354 (VCV004709354.1).
Genomic context (GRCh38, chr7:5,741,640, plus strand): 5'-GTGAATTCAGAGATTCCAGGAGGCCCAAGATCCAGAAATTCACCGTAGTCATCCTCAGAA[T>G]CATCCTGTGCCCCAGAATCAAACAATGGGTTGTTACACACTGAAAAATAGCTGCTCTTAT-3'
Protein context (NP_996994.1, residues 116-136): NPLFDSGAQD[Asp126Ala]SEDDYGEFLD